The following is an entry in ClinVar:

ClinVar aggregate classification (germline): Uncertain significance. Review status: criteria provided, multiple submitters, no conflicts (2 of 4 stars). 2 submissions from 2 submitters: Uncertain significance (2). Last evaluated 2025-06-16.

Conditions:
PROS1-related disorder. Also called: PROS1-related condition.
Thromboembolism. Identifiers: MedGen C0040038, HP:0001907.

Allele frequency attached by ClinVar (database versions not stated): gnomAD 0.00003; TOPMed 0.00006; gnomAD exomes 0.00008.
gnomAD v4.1: 88 of 1,295,832 alleles (0.0068%); highest among the groups gnomAD compares: Non-Finnish European, 0.0089%; no homozygotes.

Submissions (2):

PreventionGenetics, part of Exact Sciences
Classification: Uncertain significance for PROS1-related condition. Last evaluated: 2025-06-16. Review status: criteria provided, single submitter. Criteria: ACMG Guidelines, 2015. Collection method: clinical testing. Allele origin: germline.
Comment: The PROS1 c.121A>G variant is predicted to result in the amino acid substitution p.Ile41Val. To our knowledge, this variant has not been reported in the literature. This variant is reported in 0.014% of alleles in individuals of European (Non-Finnish) descent in gnomAD. At this time, the clinical significance of this variant is uncertain due to the absence of conclusive functional and genetic evidence.

NIHR Bioresource Rare Diseases, University of Cambridge
Classification: Uncertain significance for Thromboembolism. Last evaluated: 2019-02-01. Review status: criteria provided, single submitter. Criteria: ACMG Guidelines, 2015. Collection method: research. Allele origin: unknown. Affected: yes. Observed: 1 heterozygote. Study: ThromboGenomics.

Literature cited by the submitters: PubMed 31064749 (cited by NIHR Bioresource Rare Diseases, University of Cambridge).

NM_000313.4(PROS1):c.77-1346A>G

Gene: PROS1 (protein S; minus strand). Cytogenetic location: 3q11.1.
Variant type: single nucleotide variant.
Coding change: c.77-1346A>G on transcript NM_000313.4 (MANE Select); 1346 bases into the intron before coding-DNA position 77, A replaced by G.
Molecular consequence: intron variant. On other transcripts: missense variant (1).
Genome position (GRCh38, 1-based): chr3:93,928,753, T>C on the plus strand (A>G on the coding strand, the complement: PROS1 is on the minus strand). VCF-style: chr3-93928753-T-C. GRCh37 (hg19) VCF-style: chr3-93647597-T-C.
Other names: c.121A>G, p.Ile41Val (NM_001314077.2); c.121A>G (NM_001314077.1); short protein forms I41V.
Identifiers: ClinVar variation 627134 (VCV000627134.3), dbSNP rs767606472, ClinGen allele CA78506689.